The following is an entry in ClinVar:

ClinVar aggregate classification (germline): Uncertain significance (1 of 4 stars; one submission).

Conditions:
Arrhythmogenic right ventricular dysplasia 5. Also called: Arrhythmogenic Right Ventricular Dysplasia/Cardiomyopathy 5; ARRHYTHMOGENIC RIGHT VENTRICULAR DYSPLASIA, FAMILIAL, 5. Identifiers: MedGen C1858379, MONDO:0011459, OMIM 604400.

Submission:

Labcorp Genetics (formerly Invitae), Labcorp
Classification: Uncertain significance for Arrhythmogenic right ventricular dysplasia 5. Last evaluated: 2021-08-31. Review status: criteria provided, single submitter. Criteria: Invitae Variant Classification Sherloc (09022015). Collection method: clinical testing. Allele origin: germline.
Comment: In summary, the available evidence is currently insufficient to determine the role of this variant in disease. Therefore, it has been classified as a Variant of Uncertain Significance. Experimental studies and prediction algorithms are not available or were not evaluated, and the functional significance of this variant is currently unknown. This variant has not been reported in the literature in individuals affected with TMEM43-related conditions. This variant is not present in population databases (ExAC no frequency). This sequence change creates a premature translational stop signal (p.Gly310Alafs*17) in the TMEM43 gene. While this is not anticipated to result in nonsense mediated decay, it is expected to disrupt the last 91 amino acid(s) of the TMEM43 protein.

NM_024334.3(TMEM43):c.929del (p.Gly310fs)

Gene: TMEM43 (transmembrane protein 43; plus strand). Cytogenetic location: 3p25.1.
Variant type: Deletion.
Coding change: c.929del on transcript NM_024334.3 (MANE Select); coding-DNA position 929, one base deleted (G; older notation c.929delG).
Protein change: p.Gly310fs; shifts the reading frame from glycine 310.
Molecular consequence: frameshift variant.
Genome position (GRCh38, 1-based): chr3:14,139,226, G deleted; the last of 4 consecutive G bases (chr3:14,139,223-14,139,226); deleting any one gives the same sequence. VCF-style (leftmost placement, unchanged base first): chr3-14139222-TG-T. GRCh37 (hg19) VCF-style: chr3-14180722-TG-T.
Other names: short protein forms G310fs.
Identifiers: ClinVar variation 1419933 (VCV001419933.6), dbSNP rs2124995245, ClinGen allele CA2573136053.
Genomic context (GRCh38, chr3:14,139,222, plus strand): 5'-CCCCACCTTGTCCTGCAGGAGGTGTTTCATAGAGAACTAAGGAGCAACTCCATGAAGACC[TG>T]GGGCCTGCGGGCAGCTGGCTGGATGGCCATGTTCATGGGCCTCAACCTTATGACACGGAT-3'